The following is an entry in ClinVar:

ClinVar aggregate classification (germline): Benign (1 of 4 stars; one submission).

Allele frequency attached by ClinVar (database versions not stated): gnomAD 0.03211 and 0.03433; TOPMed 0.03512; 1000 Genomes Project 0.03874; 1000 Genomes Project 30x 0.03904.
gnomAD v4.1: 4,845 of 152,284 alleles (3.2%); highest among the groups gnomAD compares: African/African-American, 11%; 222 homozygotes.

Submission:

GeneDx
Classification: Benign. Last evaluated: 2018-06-14. Review status: criteria provided, single submitter. Criteria: GeneDx Variant Classification (06012015). Collection method: clinical testing. Allele origin: germline. Affected: yes.
Comment: This variant is considered likely benign or benign based on one or more of the following criteria: it is a conservative change, it occurs at a poorly conserved position in the protein, it is predicted to be benign by multiple in silico algorithms, and/or has population frequency not consistent with disease.

NM_002693.3(POLG):c.2981+283A>C

Gene: POLG (DNA polymerase gamma, catalytic subunit; minus strand). Cytogenetic location: 15q26.1.
Variant type: single nucleotide variant.
Coding change: c.2981+283A>C on transcript NM_002693.3 (MANE Select); 283 bases into the intron after coding-DNA position 2981, A replaced by C.
Molecular consequence: intron variant.
Genome position (GRCh38, 1-based): chr15:89,320,483, T>G on the plus strand (A>C on the coding strand, the complement: POLG is on the minus strand). VCF-style: chr15-89320483-T-G. GRCh37 (hg19) VCF-style: chr15-89863714-T-G.
Other names: c.2981+283A>C (NM_001126131.2).
Identifiers: ClinVar variation 681000 (VCV000681000.1), dbSNP rs1860023, ClinGen allele CA274545516.